The following is an entry in ClinVar:

ClinVar aggregate classification (germline): Pathogenic (1 of 4 stars; one submission).

Conditions:
Lowe syndrome (OCRL). Also called: Oculocerebrorenal Syndrome; LOWE OCULOCEREBRORENAL SYNDROME; PHOSPHATIDYLINOSITOL 4,5-BISPHOSPHATE 5-PHOSPHATASE DEFICIENCY. Identifiers: Orphanet 534, MedGen C0028860, MONDO:0010645, OMIM 309000.

Submission:

Victorian Clinical Genetics Services, Murdoch Childrens Research Institute
Classification: Pathogenic for Lowe syndrome. Last evaluated: 2021-05-06. Review status: criteria provided, single submitter. Criteria: ACMG Guidelines, 2015. Collection method: clinical testing. Allele origin: germline. Inheritance: X-linked recessive inheritance. Affected: yes.
Comment: Based on the classification scheme VCGS_Germline_v1.3.4, this variant is classified as Pathogenic. Following criteria are met: 0102 - Loss of function is a known mechanism of disease in this gene and is associated with Dent disease 2 (MIM#300555) and Lowe syndrome (MIM#309000). Frameshift and nonsense in exon 1-7 are mainly associated with Dent 2 disease and in exon 8-23 are mainly associated with Lowe syndrome (PMID: 28669993). (I) 0109 - This gene is associated with X-linked recessive disease. (I) 0201 - Variant is predicted to cause nonsense-mediated decay (NMD) and loss of protein (premature termination codon is located at least 54 nucleotides upstream of the final exon-exon junction). (SP) 0253 - This variant is hemizygous. (I) 0301 - Variant is absent from gnomAD (both v2 and v3). (SP) 0701 - Multiple NMD predicted variants comparable to the one identified in this case have very strong previous evidence for pathogenicity (ClinVar). (SP) 0807 - This variant has no previous evidence of pathogenicity. (I) 0905 - No published segregation evidence has been identified for this variant. (I) 1007 - No published functional evidence has been identified for this variant. (I) 1208 - Inheritance information for this variant is not currently available in this individual. (I) Legend: (SP) - Supporting pathogenic, (I) - Information, (SB) - Supporting benign

Literature cited by the submitters: PubMed 28669993.

NM_000276.4(OCRL):c.1210C>T (p.Gln404Ter)

Gene: OCRL (OCRL inositol polyphosphate-5-phosphatase; plus strand). Cytogenetic location: Xq26.1.
Variant type: single nucleotide variant.
Coding change: c.1210C>T on transcript NM_000276.4 (MANE Select); coding-DNA position 1210, C replaced by T.
Protein change: p.Gln404Ter; replaces glutamine 404 with a stop codon.
Molecular consequence: nonsense.
Genome position (GRCh38, 1-based): chrX:129,562,752, C>T. VCF-style: chrX-129562752-C-T. GRCh37 (hg19) VCF-style: chrX-128696729-C-T.
Other names: c.1213C>T, p.Gln405Ter (NM_001318784.2); c.1210C>T, p.Gln404Ter (NM_001587.4); short protein forms Q404*, Q405*.
Identifiers: ClinVar variation 1804969 (VCV001804969.1), dbSNP rs2521890316, ClinGen allele CA414553072.